The following is an entry in ClinVar:

NM_015122.3(FCHO1):c.1787C>A (p.Thr596Asn)

Gene: FCHO1 (FCH and mu domain containing endocytic adaptor 1; plus strand). Cytogenetic location: 19p13.11.
Variant type: single nucleotide variant.
Coding change: c.1787C>A on transcript NM_015122.3 (MANE Select); coding-DNA position 1787, C replaced by A.
Protein change: p.Thr596Asn; replaces threonine 596 with asparagine.
Molecular consequence: missense variant. On other transcripts: non-coding transcript variant (36).
Genome position (GRCh38, 1-based): chr19:17,781,498, C>A. VCF-style: chr19-17781498-C-A. GRCh37 (hg19) VCF-style: chr19-17892307-C-A.
Other names: c.1787C>A, p.Thr596Asn (NM_001161357.2, NM_001161358.2, NM_001384370.1 and 13 more transcripts); c.1637C>A, p.Thr546Asn (NM_001161359.2, NM_001384384.1, NM_001384385.1 and 1 more transcripts); c.1712C>A, p.Thr571Asn (NM_001384390.1); c.1670C>A, p.Thr557Asn (NM_001384392.1, NM_001384393.1, NM_001384394.1 and 1 more transcripts); c.1511C>A, p.Thr504Asn (NM_001384396.1, NM_001384397.1, NM_001384398.1 and 5 more transcripts); c.1748C>A, p.Thr583Asn (NM_001384388.1, NM_001384389.1, NM_001384405.1); c.1466C>A, p.Thr489Asn (NM_001384403.1); c.1361C>A, p.Thr454Asn (NM_001384406.1); and 1 more; short protein forms T454N, T596N, T406N, T489N, T504N, T557N, T571N, T546N.
Identifiers: ClinVar variation 2847494 (VCV002847494.3), dbSNP rs2514060813, ClinGen allele CA404754842.

ClinVar aggregate classification (germline): Uncertain significance (1 of 4 stars; one submission).

Submission:

Labcorp Genetics (formerly Invitae), Labcorp
Classification: Uncertain significance. Last evaluated: 2023-03-19. Review status: criteria provided, single submitter. Criteria: Invitae Variant Classification Sherloc (09022015). Collection method: clinical testing. Allele origin: germline.
Comment: This variant has not been reported in the literature in individuals affected with FCHO1-related conditions. This variant is not present in population databases (gnomAD no frequency). This sequence change replaces threonine, which is neutral and polar, with asparagine, which is neutral and polar, at codon 596 of the FCHO1 protein (p.Thr596Asn). In summary, the available evidence is currently insufficient to determine the role of this variant in disease. Therefore, it has been classified as a Variant of Uncertain Significance. An algorithm developed to predict the effect of missense changes on protein structure and function (PolyPhen-2) suggests that this variant is likely to be tolerated.